The following is an entry in ClinVar:

ClinVar aggregate classification (germline): Pathogenic/Likely pathogenic. Review status: criteria provided, multiple submitters, no conflicts (2 of 4 stars). 8 submissions from 8 submitters: Pathogenic (7); Likely pathogenic (1). Last evaluated 2026-02-05.

Conditions:
DNAH5-related disorder. Also called: DNAH5-related condition.
Primary ciliary dyskinesia 3. Identifiers: Orphanet 244, MedGen C1837618, MONDO:0012085, OMIM 608644.
Primary ciliary dyskinesia. Also called: Ciliary dyskinesia. Identifiers: Orphanet 244, MedGen C0008780, MONDO:0016575, HP:0012265.
DNAH5-related disorders.

Allele frequency attached by ClinVar (database versions not stated): ESP Exome Variant Server 0.00008; gnomAD 0.00018 and 0.00019; ExAC 0.00019; TOPMed 0.00002; gnomAD exomes 0.00019; 1000 Genomes Project 30x 0.00016; 1000 Genomes Project 0.00020.
gnomAD v4.1: 136 of 1,614,056 alleles (0.0084%); highest among the groups gnomAD compares: African/African-American, 0.004%; 1 homozygote.

Submissions (8):

Clinical Genetics and Genomics, Karolinska University Hospital
Classification: Pathogenic for Primary ciliary dyskinesia 3. Last evaluated: 2026-02-05. Review status: criteria provided, single submitter. Criteria: ACMG Guidelines, 2015. Collection method: clinical testing. Allele origin: germline. Inheritance: Autosomal recessive inheritance. Affected: yes.

Natera, Inc.
Classification: Pathogenic for Primary ciliary dyskinesia. Last evaluated: 2025-12-03. Review status: criteria provided, single submitter. Criteria: Natera Variant Classification Schema (03/2026). Collection method: clinical testing. Allele origin: germline.
Comment: The c.4360C>T variant in DNAH5 is a nonsense variant predicted to introduce a stop codon at amino acid 1454. This variant is expected to result in nonsense mediated decay, truncation, or a dysfunctional protein product. This variant is rare in the general population with a frequency below the threshold expected for the associated phenotype(s). This variant has been observed in at least one unaffected individual, with a zygosity that is consistent with the inheritance pattern for the associated condition (in gnomAD and/or literature). This variant has been observed in one or more individuals affected with the associated recessive disease, as either homozygous or compound heterozygous with a second variant (PMID: 38206729). Given the available evidence, this variant is classified as Pathogenic.

PreventionGenetics, part of Exact Sciences
Classification: Likely pathogenic for DNAH5-related condition. Last evaluated: 2025-09-15. Review status: criteria provided, single submitter. Criteria: ACMG Guidelines, 2015. Collection method: clinical testing. Allele origin: germline.
Comment: The DNAH5 c.4360C>T variant is predicted to result in premature protein termination (p.Arg1454*). This variant has been reported in individuals with primary ciliary dyskinesia; one individual harbored a second DNAH5 variant, however for the second reported individual a second variant was not identified (Table 1 in Olbrich et al. 2002. PubMed ID: 11788826). This variant is reported in 0.20% of alleles in individuals of European (Finnish) descent in gnomAD, including one homozygous individual. Nonsense variants in DNAH5 are expected to be pathogenic, and this variant has been classified as pathogenic by multiple independent submitters to the ClinVar database. This variant is interpreted as likely pathogenic.

Labcorp Genetics (formerly Invitae), Labcorp
Classification: Pathogenic for Primary ciliary dyskinesia. Last evaluated: 2024-12-12. Review status: criteria provided, single submitter. Criteria: Invitae Variant Classification Sherloc (09022015). Collection method: clinical testing. Allele origin: germline.
Comment: This sequence change creates a premature translational stop signal (p.Arg1454*) in the DNAH5 gene. It is expected to result in an absent or disrupted protein product. Loss-of-function variants in DNAH5 are known to be pathogenic (PMID: 11788826, 16627867). This variant is present in population databases (rs148139814, gnomAD 0.2%), including at least one homozygous and/or hemizygous individual. This premature translational stop signal has been observed in individual(s) with primary ciliary dyskinesia (PMID: 11788826). ClinVar contains an entry for this variant (Variation ID: 853579). For these reasons, this variant has been classified as Pathogenic.

Myriad Genetics, Inc.
Classification: Pathogenic for Primary ciliary dyskinesia 3. Last evaluated: 2024-05-14. Review status: criteria provided, single submitter. Criteria: Myriad Autosomal Dominant, Autosomal Recessive and X-Linked Classification Criteria (2023). Collection method: clinical testing. Allele origin: unknown.
Comment: NM_001369.2(DNAH5):c.4360C>T(R1454*) is expected to be pathogenic in the context of primary ciliary dyskinesia, DNAH5-related. This variant is predicted to lead to an abnormal or absent protein product due to the creation of a premature termination codon in DNAH5, a gene where loss-of-function variants are known to be pathogenic. Please note: this variant was assessed in the context of healthy population screening.

Blueprint Genetics
Classification: Pathogenic for DNAH5-related disorders. Last evaluated: 2024-03-04. Review status: criteria provided, single submitter. Criteria: ACMG Guidelines, 2015. Collection method: clinical testing. Allele origin: germline. Affected: yes. Observed: 5 variant alleles.

Women's Health and Genetics/Laboratory Corporation of America, LabCorp
Classification: Pathogenic for Primary ciliary dyskinesia 3. Last evaluated: 2023-04-26. Review status: criteria provided, single submitter. Criteria: LabCorp Variant Classification Summary - May 2015. Collection method: clinical testing. Allele origin: germline.
Comment: Variant summary: DNAH5 c.4360C>T (p.Arg1454X) results in a premature termination codon, predicted to cause a truncation of the encoded protein or absence of the protein due to nonsense mediated decay, which are commonly known mechanisms for disease. The variant allele was found at a frequency of 0.00019 in 251292 control chromosomes in the gnomAD database, including 1 homozygote. c.4360C>T has been reported in the literature in at least four individuals affected with Primary ciliary dyskinesia 3 (e.g. Olbrich_2002, Paff_2018). These data indicate that the variant is likely to be associated with disease. To our knowledge, no experimental evidence demonstrating an impact on protein function has been reported. The following publications have been ascertained in the context of this evaluation (PMID: 11788826, 29363216). Two clinical diagnostic laboratories have submitted clinical-significance assessments for this variant to ClinVar after 2014 and both classified the variant as pathogenic. Based on the evidence outlined above, the variant was classified as pathogenic.

Ambry Genetics
Classification: Pathogenic for Primary ciliary dyskinesia. Last evaluated: 2018-07-20. Review status: criteria provided, single submitter. Criteria: Ambry Variant Classification Scheme 2023. Collection method: clinical testing. Allele origin: germline.
Comment: The p.R1454* pathogenic mutation (also known as c.4360C>T), located in coding exon 28 of the DNAH5 gene, results from a C to T substitution at nucleotide position 4360. This changes the amino acid from an arginine to a stop codon within coding exon 28. This mutation was identified in 3 siblings with primary ciliary dyskinesia from one family; however, a second pathogenic alteration was not described. All three siblings had imotilie cilia, two had outer dyenin arm defects on electron microscopy, and one had situs inversus (Olbrich H et al. Nat. Genet., 2002 Feb;30:143-4). In addition to the clinical data presented in the literature, this alteration is expected to result in loss of function by premature protein truncation or nonsense-mediated mRNA decay. As such, this alteration is interpreted as a disease-causing mutation.

Literature cited by the submitters: PubMed 38206729 (cited by Natera, Inc.); PubMed 11788826 (cited by 3 submitters); PubMed 16627867 (cited by Labcorp Genetics (formerly Invitae), Labcorp); PubMed 29363216 (cited by Women's Health and Genetics/Laboratory Corporation of America, LabCorp and Ambry Genetics).

NM_001369.3(DNAH5):c.4360C>T (p.Arg1454Ter)

Genes: DNAH5 (dynein axonemal heavy chain 5; minus strand), DNAH5-AS1 (DNAH5 antisense RNA 1; plus strand). Cytogenetic location: 5p15.2.
Variant type: single nucleotide variant.
Coding change: c.4360C>T on transcript NM_001369.3 (MANE Select); coding-DNA position 4360, C replaced by T.
Protein change: p.Arg1454Ter; replaces arginine 1454 with a stop codon.
Molecular consequence: nonsense.
Genome position (GRCh38, 1-based): chr5:13,864,633, G>A on the plus strand (C>T on the coding strand, the complement: DNAH5 is on the minus strand). VCF-style: chr5-13864633-G-A. GRCh37 (hg19) VCF-style: chr5-13864742-G-A.
Other names: short protein forms R1454*.
Identifiers: ClinVar variation 853579 (VCV000853579.20), dbSNP rs148139814, ClinGen allele CA3203994.